The following is an entry in ClinVar:

NM_021224.6(ZNF462):c.5942G>A (p.Arg1981Gln)

Gene: ZNF462 (zinc finger protein 462; plus strand). Cytogenetic location: 9q31.2.
Variant type: single nucleotide variant.
Coding change: c.5942G>A on transcript NM_021224.6 (MANE Select); coding-DNA position 5942, G replaced by A.
Protein change: p.Arg1981Gln; replaces arginine 1981 with glutamine.
Molecular consequence: missense variant.
Genome position (GRCh38, 1-based): chr9:106,930,619, G>A. VCF-style: chr9-106930619-G-A. GRCh37 (hg19) VCF-style: chr9-109692900-G-A.
Other names: c.3347G>A, p.Arg1116Gln (NM_001347997.2); short protein forms R1116Q, R1981Q.
Identifiers: ClinVar variation 4881510 (VCV004881510.2).
Genomic context (GRCh38, chr9:106,930,619, plus strand): 5'-AGGAGAGGAAAGTGGTGGGCTACAAATGTAAATTCTGTGTGGAAGTGCACCCAACGCTCC[G>A]AGCCATCTGCAATCACCTCCGAAAGCACGTCCAGTATGGCAATGTCCCAGCTGTGTCAGC-3'
Protein context (NP_067047.4, residues 1971-1991): KFCVEVHPTL[Arg1981Gln]AICNHLRKHV

ClinVar aggregate classification (germline): Uncertain significance (1 of 4 stars; one submission).

Submission:

Dasa
Classification: Uncertain significance. Last evaluated: 2026-02-20. Review status: criteria provided, single submitter. Criteria: DASA Assertion Criteria. Collection method: clinical testing. Allele origin: germline.
Comment: NM_021224.6(ZNF462):c.5942G>A (p.Arg1981Gln) is a missense variant that results in the substitution of arginine with glutamine. This variant is absent from population databases. The currently available literature and clinical evidence are not sufficient to establish a definitive association between this variant and the reported condition. Therefore, this variant is classified as a variant of uncertain significance.